The following is an entry in ClinVar:

ClinVar aggregate classification (germline): Likely pathogenic (1 of 4 stars; one submission).

Submission:

GeneDx
Classification: Likely pathogenic. Last evaluated: 2015-08-13. Review status: criteria provided, single submitter. Criteria: GeneDx Variant Classification (06012015). Collection method: clinical testing. Allele origin: germline. Affected: yes.
Comment: The F73S variant has not been published as pathogenic previously, nor has it been reported as benign polymorphism. In fact, the F73S variant was not observed in approximately 6500 individuals of European and African American ancestry in the NHLBI Exome Sequencing Project, indicating it is not a common benign variant in these populations. The F73S variant is a non-conservative amino acid substitution at a position in exon 3 that is conserved across species, and is likely to impact secondary protein structure as these residues differ in polarity, charge, size and/or other properties. Nevertheless, in silico analysis is inconsistent in its predictions as to whether or not the variant is damaging to the protein structure/function. Pathogenic variants in nearby residues (S72Y, A68E, L64S) have been reported in the Human Gene Mutation Database in association with Darier disease (Stenson et al., 2014), and the majority of published variants in ATP2A2 are located in the 3' and 5' regions (Klausegger et al, 2011). Therefore, this variant is a strong candidate for a pathogenic variant, however the possibility that it is a benign variant cannot be excluded.

NM_170665.4(ATP2A2):c.218T>C (p.Phe73Ser)

Gene: ATP2A2 (ATPase sarcoplasmic/endoplasmic reticulum Ca2+ transporting 2; plus strand). Cytogenetic location: 12q24.11.
Variant type: single nucleotide variant.
Coding change: c.218T>C on transcript NM_170665.4 (MANE Select); coding-DNA position 218, T replaced by C.
Protein change: p.Phe73Ser; replaces phenylalanine 73 with serine.
Molecular consequence: missense variant.
Genome position (GRCh38, 1-based): chr12:110,282,794, T>C. VCF-style: chr12-110282794-T-C. GRCh37 (hg19) VCF-style: chr12-110720599-T-C.
Other names: c.218T>C, p.Phe73Ser (NM_001681.4); short protein forms F73S.
Identifiers: ClinVar variation 427028 (VCV000427028.2), dbSNP rs1085307908, ClinGen allele CA386913030.